The following is an entry in ClinVar:

ClinVar aggregate classification (germline): Uncertain significance. Review status: criteria provided, multiple submitters, no conflicts (2 of 4 stars). 2 submissions from 2 submitters: Uncertain significance (2). Last evaluated 2022-05-26.

Conditions:
Juvenile cataract-microcornea-renal glucosuria syndrome. Also called: CATARACT, JUVENILE, WITH MICROCORNEA; Cataract 47, juvenile, with microcornea; CATARACT 47. Identifiers: Orphanet 247794, MedGen C4310806, MONDO:0012786, OMIM 612018.

Allele frequency attached by ClinVar (database versions not stated): gnomAD exomes below 0.00001 and 0.00001; TOPMed below 0.00001; ExAC 0.00001; gnomAD 0.00001.
gnomAD v4.1: 19 of 1,613,986 alleles (0.0012%); highest among the groups gnomAD compares: Non-Finnish European, 0.0015%; no homozygotes.

Submissions (2):

Fulgent Genetics
Classification: Uncertain significance for Juvenile cataract-microcornea-renal glucosuria syndrome. Last evaluated: 2022-05-26. Review status: criteria provided, single submitter. Criteria: ACMG Guidelines, 2015. Collection method: clinical testing. Allele origin: unknown.

GeneDx
Classification: Uncertain significance. Last evaluated: 2019-12-04. Review status: criteria provided, single submitter. Criteria: GeneDx Variant Classification Process June 2021. Collection method: clinical testing. Allele origin: germline. Affected: yes.
Comment: In silico analysis, which includes protein predictors and evolutionary conservation, supports that this variant does not alter protein structure/function; Has not been previously published as pathogenic or benign to our knowledge

NM_213606.4(SLC16A12):c.758C>T (p.Ser253Phe)

Gene: SLC16A12 (solute carrier family 16 member 12; minus strand). Cytogenetic location: 10q23.31.
Variant type: single nucleotide variant.
Coding change: c.758C>T on transcript NM_213606.4 (MANE Select); coding-DNA position 758, C replaced by T.
Protein change: p.Ser253Phe; replaces serine 253 with phenylalanine.
Molecular consequence: missense variant.
Genome position (GRCh38, 1-based): chr10:89,438,874, G>A on the plus strand (C>T on the coding strand, the complement: SLC16A12 is on the minus strand). VCF-style: chr10-89438874-G-A. GRCh37 (hg19) VCF-style: chr10-91198631-G-A.
Other names: short protein forms S253F.
Identifiers: ClinVar variation 1310460 (VCV001310460.3), dbSNP rs773706712, ClinGen allele CA5595438.
Genomic context (GRCh38, chr10:89,438,874, plus strand): 5'-TGCTGCAAACAGCAACAGAGGCAAGTCTGTGCCCATTCTTTGGTCAAAGATGAATAGGGA[G>A]ACACCCGCTTAATGTCTTCTTTCTGAGTTCTACACACATGGTTCTGCTCTGGAGTTGTGT-3'
Protein context (NP_998771.3, residues 243-263): RTQKEDIKRV[Ser253Phe]PYSSLTKEWA